The following is an entry in ClinVar:

ClinVar aggregate classification (germline): Uncertain significance. Review status: criteria provided, multiple submitters, no conflicts (2 of 4 stars). 3 submissions from 3 submitters: Uncertain significance (3). Last evaluated 2025-05-22.

Conditions:
Inborn genetic diseases. Identifiers: MedGen C0950123, MeSH D030342.

Allele frequency attached by ClinVar (database versions not stated): ExAC 0.00001; gnomAD 0.00001; gnomAD exomes 0.00001; TOPMed 0.00001.
gnomAD v4.1: 17 of 1,612,578 alleles (0.0011%); highest among the groups gnomAD compares: Non-Finnish European, 0.0014%; no homozygotes.

Submissions (3):

Ambry Genetics
Classification: Uncertain significance for Inborn genetic diseases. Last evaluated: 2025-05-22. Review status: criteria provided, single submitter. Criteria: Ambry Variant Classification Scheme 2023. Collection method: clinical testing. Allele origin: germline.

GeneDx
Classification: Uncertain significance. Last evaluated: 2022-01-12. Review status: criteria provided, single submitter. Criteria: GeneDx Variant Classification Process June 2021. Collection method: clinical testing. Allele origin: germline. Affected: yes.
Comment: Not observed at significant frequency in large population cohorts (gnomAD); In silico analysis supports that this missense variant has a deleterious effect on protein structure/function; Has not been previously published as pathogenic or benign to our knowledge

Blueprint Genetics
Classification: Uncertain significance. Last evaluated: 2020-11-24. Review status: criteria provided, single submitter. Criteria: ACMG Guidelines, 2015. Collection method: clinical testing. Allele origin: germline.

NM_001145809.2(MYH14):c.5657A>C (p.Glu1886Ala)

Gene: MYH14 (myosin heavy chain 14; plus strand). Cytogenetic location: 19q13.33.
Variant type: single nucleotide variant.
Coding change: c.5657A>C on transcript NM_001145809.2 (MANE Select); coding-DNA position 5657, A replaced by C.
Protein change: p.Glu1886Ala; replaces glutamic acid 1886 with alanine.
Molecular consequence: missense variant.
Genome position (GRCh38, 1-based): chr19:50,301,848, A>C. VCF-style: chr19-50301848-A-C. GRCh37 (hg19) VCF-style: chr19-50805105-A-C.
Other names: c.5558A>C, p.Glu1853Ala (NM_001077186.2); c.5534A>C, p.Glu1845Ala (NM_024729.4); short protein forms E1845A, E1853A, E1886A.
Identifiers: ClinVar variation 1696929 (VCV001696929.4), dbSNP rs770918120, ClinGen allele CA9593866.